The following is an entry in ClinVar:

NM_000169.3(GLA):c.299G>C (p.Arg100Thr)

Genes: GLA (galactosidase alpha; minus strand), RPL36A-HNRNPH2 (RPL36A-HNRNPH2 readthrough; plus strand). Cytogenetic location: Xq22.1.
Variant type: single nucleotide variant.
Coding change: c.299G>C on transcript NM_000169.3 (MANE Select); coding-DNA position 299, G replaced by C.
Protein change: p.Arg100Thr; replaces arginine 100 with threonine.
Molecular consequence: missense variant. On other transcripts: non-coding transcript variant (3), intron variant (2).
Genome position (GRCh38, 1-based): chrX:101,403,881, C>G on the plus strand (G>C on the coding strand, the complement: GLA is on the minus strand). VCF-style: chrX-101403881-C-G. GRCh37 (hg19) VCF-style: chrX-100658869-C-G.
Other names: c.422G>C, p.Arg141Thr (NM_001406747.1, NM_001406749.1); c.299G>C, p.Arg100Thr (NM_001406748.1); c.301-8055C>G (NM_001199973.2); c.178-8055C>G (NM_001199974.2); short protein forms R100T, R141T.
Identifiers: ClinVar variation 4087336 (VCV004087336.2).

ClinVar aggregate classification (germline): Likely pathogenic (1 of 4 stars; one submission).

Conditions:
Fabry disease. Also called: ALPHA-GALACTOSIDASE A DEFICIENCY; ANDERSON-FABRY DISEASE; CERAMIDE TRIHEXOSIDASE DEFICIENCY; GLA DEFICIENCY; HEREDITARY DYSTOPIC LIPIDOSIS; Angiokeratoma corporis diffusum. Identifiers: Orphanet 324, MedGen C0002986, MONDO:0010526, OMIM 301500, HP:0001071. Disease mechanism: Fabry disease is due to inactivating mutations in the X-linked GLA gene resulting in deficiency of the enzyme Alpha Galactosidase-A., loss of function.

Submission:

Genomenon, Inc
Classification: Likely pathogenic for Fabry disease. Last evaluated: 2026-09-08. Review status: criteria provided, single submitter. Criteria: Genomenon Sequence Variant Interpretation Standards - Updated. Collection method: curation. Allele origin: germline. Affected: yes.
Comment: GLA p.Arg100Thr (c.299G>C) is a missense variant that changes the amino acid at codon 100 from Arginine to Threonine. This variant has been observed in at least one proband with clinical features consistent with Fabry disease (PMID:9100224;20022777;39595144). At least one functional study has demonstrated a substantial alteration in protein function relative to the wild-type (PMID:32023956;21598360;27657681). It is absent or not present at a significant frequency in gnomAD. In silico models predict that this variant is possibly or probably damaging. In conclusion, we classify GLA p.Arg100Thr (c.299G>C) as a likely pathogenic variant.

Literature cited by the submitters: PubMed 9100224; PubMed 20022777; PubMed 39595144; PubMed 32023956; PubMed 21598360; PubMed 27657681.